The following is an entry in ClinVar:

ClinVar aggregate classification (germline): Uncertain significance. Review status: criteria provided, multiple submitters, no conflicts (2 of 4 stars). 2 submissions from 2 submitters: Uncertain significance (2). Last evaluated 2024-07-25.

Conditions:
Inborn genetic diseases. Identifiers: MedGen C0950123, MeSH D030342.

Submissions (2):

Ambry Genetics
Classification: Uncertain significance for Inborn genetic diseases. Last evaluated: 2024-07-25. Review status: criteria provided, single submitter. Criteria: Ambry Variant Classification Scheme 2023. Collection method: clinical testing. Allele origin: germline.

Labcorp Genetics (formerly Invitae), Labcorp
Classification: Uncertain significance. Last evaluated: 2024-04-17. Review status: criteria provided, single submitter. Criteria: Invitae Variant Classification Sherloc (09022015). Collection method: clinical testing. Allele origin: germline.
Comment: This sequence change replaces asparagine, which is neutral and polar, with serine, which is neutral and polar, at codon 1327 of the TCF20 protein (p.Asn1327Ser). This variant is not present in population databases (gnomAD no frequency). This variant has not been reported in the literature in individuals affected with TCF20-related conditions. Algorithms developed to predict the effect of missense changes on protein structure and function output the following: SIFT: "Not Available"; PolyPhen-2: "Benign"; Align-GVGD: "Not Available". The serine amino acid residue is found in multiple mammalian species, which suggests that this missense change does not adversely affect protein function. In summary, the available evidence is currently insufficient to determine the role of this variant in disease. Therefore, it has been classified as a Variant of Uncertain Significance.

NM_001378418.1(TCF20):c.3980A>G (p.Asn1327Ser)

Gene: TCF20 (transcription factor 20; minus strand). Cytogenetic location: 22q13.2.
Variant type: single nucleotide variant.
Coding change: c.3980A>G on transcript NM_001378418.1 (MANE Select); coding-DNA position 3980, A replaced by G.
Protein change: p.Asn1327Ser; replaces asparagine 1327 with serine.
Molecular consequence: missense variant.
Genome position (GRCh38, 1-based): chr22:42,211,326, T>C on the plus strand (A>G on the coding strand, the complement: TCF20 is on the minus strand). VCF-style: chr22-42211326-T-C. GRCh37 (hg19) VCF-style: chr22-42607332-T-C.
Other names: c.3980A>G (NM_005650.1); c.3980A>G, p.Asn1327Ser (NM_005650.4, NM_181492.3); short protein forms N1327S.
Identifiers: ClinVar variation 2790323 (VCV002790323.4), dbSNP rs2518210476, ClinGen allele CA411785300.